The following is an entry in ClinVar:

NM_006648.4(WNK2):c.5256C>A (p.Ser1752Arg)

Gene: WNK2 (WNK lysine deficient protein kinase 2; plus strand). Cytogenetic location: 9q22.31.
Variant type: single nucleotide variant.
Coding change: c.5256C>A on transcript NM_006648.4 (MANE Select); coding-DNA position 5256, C replaced by A.
Protein change: p.Ser1752Arg; replaces serine 1752 with arginine.
Molecular consequence: missense variant.
Genome position (GRCh38, 1-based): chr9:93,292,721, C>A. VCF-style: chr9-93292721-C-A. GRCh37 (hg19) VCF-style: chr9-96055003-C-A.
Other names: c.5367C>A, p.Ser1789Arg (NM_001282394.3); short protein forms S1789R, S1752R.
Identifiers: ClinVar variation 4201570 (VCV004201570.1).

ClinVar aggregate classification (germline): Uncertain significance (1 of 4 stars; one submission).

gnomAD v4.1: 4 of 1,557,068 alleles (0.00026%); highest among the groups gnomAD compares: Non-Finnish European, 0.00035%; no homozygotes.

Submission:

Ambry Genetics
Classification: Uncertain significance. Last evaluated: 2025-06-28. Review status: criteria provided, single submitter. Criteria: Ambry Variant Classification Scheme 2023. Collection method: clinical testing. Allele origin: germline.
Comment: The p.S1752R variant (also known as c.5256C>A), located in coding exon 22 of the WNK2 gene, results from a C to A substitution at nucleotide position 5256. The serine at codon 1752 is replaced by arginine, an amino acid with dissimilar properties. This amino acid position is conserved. In addition, the in silico prediction for this alteration is inconclusive. Based on the available evidence, the clinical significance of this variant remains unclear.